The following is an entry in ClinVar:

NM_015378.4(VPS13D):c.6650+22del

Gene: VPS13D (vacuolar protein sorting 13 homolog D; plus strand). Cytogenetic location: 1p36.22.
Variant type: Deletion.
Coding change: c.6650+22del on transcript NM_015378.4 (MANE Select); 22 bases into the intron after coding-DNA position 6650, one base deleted (T; older notation c.6650+22delT).
Molecular consequence: intron variant.
Genome position (GRCh38, 1-based): chr1:12,308,663, T deleted; the last of 15 consecutive T bases (chr1:12,308,649-12,308,663); deleting any one gives the same sequence. VCF-style (leftmost placement, unchanged base first): chr1-12308648-GT-G. GRCh37 (hg19) VCF-style: chr1-12368705-GT-G.
Other names: p.?; c.6650+22del (NM_018156.4).
Identifiers: ClinVar variation 4684636 (VCV004684636.2).

ClinVar aggregate classification (germline): Benign/Likely benign. Review status: criteria provided, multiple submitters, no conflicts (2 of 4 stars). 2 submissions from 2 submitters: Benign (1); Likely benign (1). Last evaluated 2025-11-25.

Submissions (2):

Mayo Clinic Laboratories, Mayo Clinic
Classification: Benign. Last evaluated: 2025-11-25. Review status: criteria provided, single submitter. Criteria: ACMG Guidelines, 2015. Collection method: clinical testing. Allele origin: germline. Observed: 262 variant alleles.
Comment: BA1

Blueprint Genetics
Classification: Likely benign. Last evaluated: 2024-11-26. Review status: criteria provided, single submitter. Criteria: ACMG Guidelines, 2015. Collection method: clinical testing. Allele origin: germline.